The following is an entry in ClinVar:

ClinVar aggregate classification (germline): Likely pathogenic (1 of 4 stars; one submission).

Conditions:
Myoclonus, intractable, neonatal (NEIMY). Identifiers: MedGen C4310658, MONDO:0014979, OMIM 617235.

Submission:

3billion
Classification: Likely pathogenic for Myoclonus, intractable, neonatal. Last evaluated: 2025-03-05. Review status: criteria provided, single submitter. Criteria: ACMG Guidelines, 2015. Collection method: clinical testing. Allele origin: germline. Affected: yes.
Comment: The variant is not observed in the gnomAD v4.1.0 dataset. Predicted Consequence/Location: Frameshift: predicted to result in a loss or disruption of normal protein function through nonsense-mediated decay (NMD) or protein truncation. Multiple pathogenic variants are reported downstream of the variant. Therefore, this variant is classified as Likely pathogenic according to the recommendation of ACMG/AMP guideline.

NM_004984.4(KIF5A):c.2859del (p.Tyr954fs)

Gene: KIF5A (kinesin family member 5A; plus strand). Cytogenetic location: 12q13.3.
Variant type: Deletion.
Coding change: c.2859del on transcript NM_004984.4 (MANE Select); coding-DNA position 2859, one base deleted (C; older notation c.2859delC).
Protein change: p.Tyr954fs; shifts the reading frame from tyrosine 954.
Molecular consequence: frameshift variant.
Genome position (GRCh38, 1-based): chr12:57,581,518, C deleted. VCF-style (leftmost placement, unchanged base first): chr12-57581517-AC-A. GRCh37 (hg19) VCF-style: chr12-57975300-AC-A.
Other names: c.2592del, p.Tyr865fs (NM_001354705.2); short protein forms Y865fs, Y954fs.
Identifiers: ClinVar variation 4293507 (VCV004293507.1).